The following is an entry in ClinVar:

NM_018489.3(ASH1L):c.61A>G (p.Lys21Glu)

Gene: ASH1L (ASH1 like histone lysine methyltransferase; minus strand). Cytogenetic location: 1q22.
Variant type: single nucleotide variant.
Coding change: c.61A>G on transcript NM_018489.3 (MANE Select); coding-DNA position 61, A replaced by G.
Protein change: p.Lys21Glu; replaces lysine 21 with glutamic acid.
Molecular consequence: missense variant.
Genome position (GRCh38, 1-based): chr1:155,521,459, T>C on the plus strand (A>G on the coding strand, the complement: ASH1L is on the minus strand). VCF-style: chr1-155521459-T-C. GRCh37 (hg19) VCF-style: chr1-155491250-T-C.
Other names: c.61A>G, p.Lys21Glu (NM_001366177.2); short protein forms K21E.
Identifiers: ClinVar variation 1710628 (VCV001710628.2), dbSNP rs2524745507, ClinGen allele CA342716705.
Genomic context (GRCh38, chr1:155,521,459, plus strand): 5'-TTTCTAGCTCTACTTCTCTCTTACTGACCAATGTGCCAGTACTGATGGCAGAAGGACTCT[T>C]TCTTGAAAAACCTTCGGAATCAGAACCCAATCCTAACATAGCAGTATTTCTAGGGTCCAT-3'
Protein context (NP_060959.2, residues 11-31): LGSDSEGFSR[Lys21Glu]SPSAISTGTL

ClinVar aggregate classification (germline): Uncertain significance (1 of 4 stars; one submission).

Allele frequency attached by ClinVar (database versions not stated): gnomAD exomes below 0.00001.
gnomAD v4.1: 4 of 1,614,086 alleles (0.00025%); highest among the groups gnomAD compares: Non-Finnish European, 0.00017%; no homozygotes.

Submission:

GeneDx
Classification: Uncertain significance. Last evaluated: 2022-04-12. Review status: criteria provided, single submitter. Criteria: GeneDx Variant Classification Process June 2021. Collection method: clinical testing. Allele origin: germline. Affected: yes.
Comment: Not observed at significant frequency in large population cohorts (gnomAD); In silico analysis supports that this missense variant does not alter protein structure/function; Has not been previously published as pathogenic or benign to our knowledge